The following is an entry in ClinVar:

NM_000138.5(FBN1):c.3999_4000del (p.Cys1333fs)

Gene: FBN1 (fibrillin 1; minus strand). Cytogenetic location: 15q21.1.
Variant type: Microsatellite.
Coding change: c.3999_4000del on transcript NM_000138.5 (MANE Select); coding-DNA positions 3999 to 4000, 2 bases deleted (TG; older notation c.3999_4000delTG).
Protein change: p.Cys1333fs; shifts the reading frame from cysteine 1333.
Molecular consequence: frameshift variant.
Genome position (GRCh38, 1-based): chr15:48,474,615-48,474,616, CA deleted on the plus strand (TG on the coding strand, the reverse complement: FBN1 is on the minus strand); deleting any 2 consecutive bases within chr15:48,474,615-48,474,618 gives the same sequence; the c. name uses the placement nearest the transcript's 3' end. VCF-style (leftmost placement, unchanged base first): chr15-48474614-CCA-C. GRCh37 (hg19) VCF-style: chr15-48766811-CCA-C.
Other names: c.3999_4000del, p.Cys1333fs (NM_001406716.1); short protein forms C1333fs.
Identifiers: ClinVar variation 2946605 (VCV002946605.3), dbSNP rs2505518875, ClinGen allele CA2740096598.

ClinVar aggregate classification (germline): Pathogenic (1 of 4 stars; one submission).

Conditions:
Marfan syndrome (MFS). Also called: MARFAN SYNDROME, TYPE I; Marfan syndrome type 1; Marfan's syndrome; Marfan syndrome, classic; FBN1-Related Marfan Syndrome. Identifiers: Orphanet 284963, Orphanet 558, MedGen C0024796, MONDO:0007947, OMIM 154700.
Familial thoracic aortic aneurysm and aortic dissection (TAAD). Also called: Thoracic aortic aneurysms and dissections. Identifiers: Orphanet 91387, MedGen C4707243, MONDO:0019625.

Submission:

Labcorp Genetics (formerly Invitae), Labcorp
Classification: Pathogenic for Marfan syndrome; Familial thoracic aortic aneurysm and aortic dissection. Last evaluated: 2023-06-17. Review status: criteria provided, single submitter. Criteria: Invitae Variant Classification Sherloc (09022015). Collection method: clinical testing. Allele origin: germline.
Comment: This sequence change creates a premature translational stop signal (p.Cys1333Trpfs*16) in the FBN1 gene. It is expected to result in an absent or disrupted protein product. Loss-of-function variants in FBN1 are known to be pathogenic (PMID: 17657824, 19293843). This variant is not present in population databases (gnomAD no frequency). This variant has not been reported in the literature in individuals affected with FBN1-related conditions. For these reasons, this variant has been classified as Pathogenic.

Literature cited by the submitters: PubMed 17657824; PubMed 19293843.